The following is an entry in ClinVar:

ClinVar aggregate classification (germline): Conflicting classifications of pathogenicity. Review status: criteria provided, conflicting classifications (1 of 4 stars). 6 submissions from 6 submitters: Pathogenic (4); Likely pathogenic (1); Uncertain significance (1). Last evaluated 2025-08-21.

Conditions:
Developmental and epileptic encephalopathy, 51 (DEE51). Also called: Epileptic encephalopathy, early infantile, 51. Identifiers: MedGen C4479208, MONDO:0015025, OMIM 617339.
Inborn genetic diseases. Identifiers: MedGen C0950123, MeSH D030342.

Submissions (6):

Victorian Clinical Genetics Services, Murdoch Childrens Research Institute
Classification: Pathogenic for Developmental and epileptic encephalopathy, 51. Last evaluated: 2025-08-21. Review status: criteria provided, single submitter. Criteria: ACMG Guidelines, 2015. Collection method: clinical testing. Allele origin: germline. Affected: yes.
Comment: This variant is classified as Pathogenic. Evidence in support of pathogenic classification: Variant is predicted to cause nonsense-mediated decay (NMD) and loss of protein (premature termination codon is located at least 54 nucleotides upstream of the final exon-exon junction); Variant is present in gnomAD <0.01 for a recessive condition (v4: 292 heterozygote(s), 0 homozygote(s)); This variant has moderate previous evidence of pathogenicity in unrelated individuals. This variant has been classified as likely pathogenic/pathogenic by multiple clinical laboratories in ClinVar; Other NMD-predicted variants comparable to the one identified in this case have strong previous evidence for pathogenicity (ClinVar). Additionally, two affected individuals have been reported in the literature with NMD-predicted variants in a compound heterozygous state with a missense variant (PMID: 27989324, 34712577) Additional information: This variant is heterozygous; This gene is associated with autosomal recessive disease; No published evidence of segregation with disease has been identified for this variant; No published functional evidence has been identified for this variant; Loss of function is a known mechanism of disease in this gene and is associated with developmental and epileptic encephalopathy 51 (MIM#617339).

CeGaT Center for Human Genetics Tuebingen
Classification: Pathogenic. Last evaluated: 2025-04-01. Review status: criteria provided, single submitter. Criteria: CeGaT Center For Human Genetics Tuebingen Variant Classification Criteria Version 2. Collection method: clinical testing. Allele origin: germline. Affected: yes. Observed: 1 variant allele.
Comment: MDH2: PVS1, PM2

Labcorp Genetics (formerly Invitae), Labcorp
Classification: Pathogenic. Last evaluated: 2025-01-28. Review status: criteria provided, single submitter. Criteria: Invitae Variant Classification Sherloc (09022015). Collection method: clinical testing. Allele origin: germline.
Comment: This sequence change creates a premature translational stop signal (p.Leu53Profs*5) in the MDH2 gene. It is expected to result in an absent or disrupted protein product. Loss-of-function variants in MDH2 are known to be pathogenic (PMID: 27989324). This variant is present in population databases (rs782759642, gnomAD 0.02%). This variant has not been reported in the literature in individuals affected with MDH2-related conditions. ClinVar contains an entry for this variant (Variation ID: 1520513). For these reasons, this variant has been classified as Pathogenic.

Blueprint Genetics
Classification: Uncertain significance. Last evaluated: 2024-10-24. Review status: criteria provided, single submitter. Criteria: ACMG Guidelines, 2015. Collection method: clinical testing. Allele origin: germline.

Fulgent Genetics
Classification: Likely pathogenic for Developmental and epileptic encephalopathy, 51. Last evaluated: 2024-05-21. Review status: criteria provided, single submitter. Criteria: ACMG Guidelines, 2015. Collection method: clinical testing. Allele origin: germline.

Ambry Genetics
Classification: Pathogenic for Inborn genetic diseases. Last evaluated: 2021-06-22. Review status: criteria provided, single submitter. Criteria: Ambry Variant Classification Scheme 2023. Collection method: clinical testing. Allele origin: germline.
Comment: The c.157dupC (p.L53Pfs*5) alteration, located in exon 2 (coding exon 2) of the MDH2 gene, consists of a duplication of C at position 157, causing a translational frameshift with a predicted alternate stop codon after 5 amino acids. This alteration is expected to result in loss of function by premature protein truncation or nonsense-mediated mRNA decay. Based on data from the Genome Aggregation Database (gnomAD), the MDH2 c.157dupC alteration was observed in 0.009% (25/282,836) of total alleles studied, with a frequency of 0.02% (5/24,964) in the African subpopulation. Based on the available evidence, this alteration is classified as pathogenic.

Literature cited by the submitters: PubMed 34712577 (cited by Victorian Clinical Genetics Services, Murdoch Childrens Research Institute); PubMed 27989324 (cited by Victorian Clinical Genetics Services, Murdoch Childrens Research Institute and Labcorp Genetics (formerly Invitae), Labcorp).

NM_005918.4(MDH2):c.157dup (p.Leu53fs)

Gene: MDH2 (malate dehydrogenase 2; plus strand). Cytogenetic location: 7q11.23.
Variant type: Duplication.
Coding change: c.157dup on transcript NM_005918.4 (MANE Select); coding-DNA position 157, one base duplicated (C; older notation c.157dupC).
Protein change: p.Leu53fs; shifts the reading frame from leucine 53.
Molecular consequence: frameshift variant. On other transcripts: intron variant (1).
Genome position (GRCh38, 1-based): chr7:76,054,920, C duplicated; the last of 2 consecutive C bases (chr7:76,054,919-76,054,920); duplicating either gives the same sequence. VCF-style (leftmost placement, unchanged base first): chr7-76054918-G-GC. GRCh37 (hg19) VCF-style: chr7-75684236-G-GC.
Other names: c.157dupC (NM_005918.2); c.157dup, p.Leu53fs (NM_001282403.2); c.-86-2490dup (NM_001282404.2); short protein forms L53fs.
Identifiers: ClinVar variation 1520513 (VCV001520513.17), dbSNP rs782759642, ClinGen allele CA4305430.